The following is an entry in ClinVar:

Conditions:
Long QT syndrome 5 (LQT5). Identifiers: Orphanet 101016, Orphanet 768, MedGen C1867904, MONDO:0013372, OMIM 613695.

Submission:

Roden Lab, Vanderbilt University Medical Center
No classification provided (evidence only). Condition: Long QT syndrome 5. Review status: no classification provided. Collection method: in vitro. Allele origin: not applicable. Functional consequence: Effect on ion channel function.
ClinVar note: "not provided" was previously submitted as the classification for the variant. However, the classification appeared to be based only on an observation of functional data so it was converted to no classification on 2025-07-30.

NM_000219.6(KCNE1):c.152T>C (p.Leu51Pro)

Gene: KCNE1 (potassium voltage-gated channel subfamily E regulatory subunit 1; minus strand). Cytogenetic location: 21q22.12.
Variant type: single nucleotide variant.
Coding change: c.152T>C on transcript NM_000219.6 (MANE Select); coding-DNA position 152, T replaced by C.
Protein change: p.Leu51Pro; replaces leucine 51 with proline.
Molecular consequence: missense variant.
Genome position (GRCh38, 1-based): chr21:34,449,483, A>G on the plus strand (T>C on the coding strand, the complement: KCNE1 is on the minus strand). VCF-style: chr21-34449483-A-G. GRCh37 (hg19) VCF-style: chr21-35821781-A-G.
Other names: c.152T>C, p.Leu51Pro (NM_001127668.4, NM_001127669.4, NM_001127670.4 and 4 more transcripts); short protein forms L51P.
Identifiers: ClinVar variation 3374184 (VCV003374184.2).